The following is an entry in ClinVar:

ClinVar aggregate classification (germline): Uncertain significance. Review status: criteria provided, multiple submitters, no conflicts (2 of 4 stars). 3 submissions from 3 submitters: Uncertain significance (2). 1 of the submissions does not count toward it. Last evaluated 2025-12-29.

Conditions:
RIPK1-related disorder. Also called: RIPK1-related condition.

Allele frequency attached by ClinVar (database versions not stated): gnomAD 0.00002; gnomAD exomes 0.00002.
gnomAD v4.1: 29 of 1,614,044 alleles (0.0018%); highest among the groups gnomAD compares: Non-Finnish European, 0.0025%; no homozygotes.

Submissions (3):

Center for Genomic Medicine, Rigshospitalet, Copenhagen University Hospital
Classification: Uncertain significance. Last evaluated: 2025-12-29. Review status: criteria provided, single submitter. Criteria: ACMG Guidelines, 2015. Collection method: clinical testing. Allele origin: germline.

Labcorp Genetics (formerly Invitae), Labcorp
Classification: Uncertain significance. Last evaluated: 2025-06-17. Review status: criteria provided, single submitter. Criteria: Invitae Variant Classification Sherloc (09022015). Collection method: clinical testing. Allele origin: germline.
Comment: This sequence change replaces glycine, which is neutral and non-polar, with aspartic acid, which is acidic and polar, at codon 98 of the RIPK1 protein (p.Gly98Asp). The frequency data for this variant in the population databases is considered unreliable, as metrics indicate poor data quality at this position in the gnomAD database. This variant has not been reported in the literature in individuals affected with RIPK1-related conditions. ClinVar contains an entry for this variant (Variation ID: 2418380). An algorithm developed to predict the effect of missense changes on protein structure and function (PolyPhen-2) suggests that this variant is likely to be disruptive. In summary, the available evidence is currently insufficient to determine the role of this variant in disease. Therefore, it has been classified as a Variant of Uncertain Significance.

PreventionGenetics, part of Exact Sciences
Classification: Uncertain significance for RIPK1-related condition. Last evaluated: 2024-06-28. Review status: no assertion criteria provided. Collection method: clinical testing. Allele origin: germline. Not counted in ClinVar's aggregate classification.
Comment: The RIPK1 c.293G>A variant is predicted to result in the amino acid substitution p.Gly98Asp. To our knowledge, this variant has not been reported in the literature. This variant is reported in 0.0023% of alleles in individuals of European (Non-Finnish) descent in gnomAD. At this time, the clinical significance of this variant is uncertain due to the absence of conclusive functional and genetic evidence.

Literature cited by the submitters: PubMed 35716229 (cited by Center for Genomic Medicine, Rigshospitalet, Copenhagen University Hospital); PubMed 30591564 (cited by Center for Genomic Medicine, Rigshospitalet, Copenhagen University Hospital).

NM_001354930.2(RIPK1):c.293G>A (p.Gly98Asp)

Gene: RIPK1 (receptor interacting serine/threonine kinase 1; plus strand). Cytogenetic location: 6p25.2.
Variant type: single nucleotide variant.
Coding change: c.293G>A on transcript NM_001354930.2 (MANE Select); coding-DNA position 293, G replaced by A.
Protein change: p.Gly98Asp; replaces glycine 98 with aspartic acid.
Molecular consequence: missense variant. On other transcripts: 5 prime UTR variant (4).
Genome position (GRCh38, 1-based): chr6:3,077,907, G>A. VCF-style: chr6-3077907-G-A. GRCh37 (hg19) VCF-style: chr6-3078141-G-A.
Other names: c.-311G>A (NM_001317061.3, NM_001354932.2, NM_001354933.2 and 1 more transcripts); c.293G>A, p.Gly98Asp (NM_001354931.2, NM_003804.6); c.293G>A (NM_003804.4); short protein forms G98D.
Identifiers: ClinVar variation 2418380 (VCV002418380.7), dbSNP rs1310821227, ClinGen allele CA362575118.